The following is an entry in ClinVar:

NM_014014.5(SNRNP200):c.2389G>A (p.Val797Met)

Gene: SNRNP200 (small nuclear ribonucleoprotein U5 subunit 200; minus strand). Cytogenetic location: 2q11.2.
Variant type: single nucleotide variant.
Coding change: c.2389G>A on transcript NM_014014.5 (MANE Select); coding-DNA position 2389, G replaced by A.
Protein change: p.Val797Met; replaces valine 797 with methionine.
Molecular consequence: missense variant.
Genome position (GRCh38, 1-based): chr2:96,291,424, C>T on the plus strand (G>A on the coding strand, the complement: SNRNP200 is on the minus strand). VCF-style: chr2-96291424-C-T. GRCh37 (hg19) VCF-style: chr2-96957162-C-T.
Other names: short protein forms V797M.
Identifiers: ClinVar variation 1897830 (VCV001897830.5), dbSNP rs2467338487, ClinGen allele CA347677588.

ClinVar aggregate classification (germline): Uncertain significance (1 of 4 stars; one submission).

Allele frequency attached by ClinVar (database versions not stated): gnomAD exomes below 0.00001.

Submission:

Labcorp Genetics (formerly Invitae), Labcorp
Classification: Uncertain significance. Last evaluated: 2022-05-17. Review status: criteria provided, single submitter. Criteria: Invitae Variant Classification Sherloc (09022015). Collection method: clinical testing. Allele origin: germline.
Comment: This variant is not present in population databases (gnomAD no frequency). This sequence change replaces valine, which is neutral and non-polar, with methionine, which is neutral and non-polar, at codon 797 of the SNRNP200 protein (p.Val797Met). This variant has not been reported in the literature in individuals affected with SNRNP200-related conditions. In summary, the available evidence is currently insufficient to determine the role of this variant in disease. Therefore, it has been classified as a Variant of Uncertain Significance. Algorithms developed to predict the effect of missense changes on protein structure and function are either unavailable or do not agree on the potential impact of this missense change (SIFT: "Deleterious"; PolyPhen-2: "Probably Damaging"; Align-GVGD: "Class C0").